The following is an entry in ClinVar:

ClinVar aggregate classification (germline): Uncertain significance (1 of 4 stars; one submission).

Conditions:
Multiple endocrine neoplasia type 4. Also called: MULTIPLE ENDOCRINE NEOPLASIA, TYPE IV. Identifiers: Orphanet 276152, MedGen C1970712, MONDO:0012552, OMIM 610755.

Submission:

Labcorp Genetics (formerly Invitae), Labcorp
Classification: Uncertain significance for Multiple endocrine neoplasia type 4. Last evaluated: 2024-07-25. Review status: criteria provided, single submitter. Criteria: Invitae Variant Classification Sherloc (09022015). Collection method: clinical testing. Allele origin: germline.
Comment: This sequence change affects the initiator methionine of the CDKN1B mRNA. The next in-frame methionine is located at codon 16. This variant is not present in population databases (gnomAD no frequency). This variant has not been reported in the literature in individuals affected with CDKN1B-related conditions. Experimental studies and prediction algorithms are not available or were not evaluated, and the functional significance of this variant is currently unknown. In summary, the available evidence is currently insufficient to determine the role of this variant in disease. Therefore, it has been classified as a Variant of Uncertain Significance.

NM_004064.5(CDKN1B):c.-2_2del (p.Met1fs)

Gene: CDKN1B (cyclin dependent kinase inhibitor 1B; plus strand). Cytogenetic location: 12p13.1.
Variant type: Deletion.
Coding change: c.-2_2del on transcript NM_004064.5 (MANE Select); 2 bases upstream of the start codon through coding-DNA position 2, 4 bases deleted (AGAT; older notation c.-2_2delAGAT).
Protein change: p.Met1fs; shifts the reading frame from methionine 1.
Molecular consequence: frameshift variant, initiator codon variant.
Genome position (GRCh38, 1-based): chr12:12,717,838-12,717,841, AGAT deleted. VCF-style (leftmost placement, unchanged base first): chr12-12717837-AAGAT-A. GRCh37 (hg19) VCF-style: chr12-12870771-AAGAT-A.
Other names: short protein forms M1fs.
Identifiers: ClinVar variation 3688020 (VCV003688020.2).